The following is an entry in ClinVar:

ClinVar aggregate classification (germline): Pathogenic (1 of 4 stars; one submission).

Conditions:
Pulmonary fibrosis and/or bone marrow failure, Telomere-related, 3. Also called: PULMONARY FIBROSIS AND/OR BONE MARROW FAILURE SYNDROME, TELOMERE-RELATED, 3. Identifiers: Orphanet 2032, MedGen C4225346, MONDO:0014613, OMIM 616373.
Dyskeratosis congenita, autosomal recessive 5 (DKCB5). Identifiers: MedGen C3554656, MONDO:0014076, OMIM 615190.

Submission:

Labcorp Genetics (formerly Invitae), Labcorp
Classification: Pathogenic for Dyskeratosis congenita, autosomal recessive 5; Pulmonary fibrosis and/or bone marrow failure, Telomere-related, 3. Last evaluated: 2022-08-05. Review status: criteria provided, single submitter. Criteria: Invitae Variant Classification Sherloc (09022015). Collection method: clinical testing. Allele origin: germline.
Comment: For these reasons, this variant has been classified as Pathogenic. This variant has not been reported in the literature in individuals affected with RTEL1-related conditions. This variant is not present in population databases (gnomAD no frequency). This sequence change creates a premature translational stop signal (p.Gly975Alafs*32) in the RTEL1 gene. It is expected to result in an absent or disrupted protein product. Loss-of-function variants in RTEL1 are known to be pathogenic (PMID: 23453664, 23959892, 25607374).

Literature cited by the submitters: PubMed 23453664; PubMed 23959892; PubMed 25607374.

NM_001283009.2(RTEL1):c.2924del (p.Gly975fs)

Genes: RTEL1 (regulator of telomere elongation helicase 1; plus strand), RTEL1-TNFRSF6B (RTEL1-TNFRSF6B readthrough (NMD candidate); plus strand). Cytogenetic location: 20q13.33.
Variant type: Deletion.
Coding change: c.2924del on transcript NM_001283009.2 (MANE Select); coding-DNA position 2924, one base deleted (G; older notation c.2924delG).
Protein change: p.Gly975fs; shifts the reading frame from glycine 975.
Molecular consequence: frameshift variant. On other transcripts: non-coding transcript variant (1).
Genome position (GRCh38, 1-based): chr20:63,693,215, G deleted; the last of 2 consecutive G bases (chr20:63,693,214-63,693,215); deleting either gives the same sequence. VCF-style (leftmost placement, unchanged base first): chr20-63693213-AG-A. GRCh37 (hg19) VCF-style: chr20-62324566-AG-A.
Other names: c.2255del, p.Gly752fs (NM_001283010.1); c.2924del, p.Gly975fs (NM_016434.4); c.2996del, p.Gly999fs (NM_032957.5); short protein forms G999fs, G752fs, G975fs.
Identifiers: ClinVar variation 2021940 (VCV002021940.4), dbSNP rs2517169913, ClinGen allele CA2580098506.